The following is an entry in ClinVar:

ClinVar aggregate classification (germline): Uncertain significance. Review status: criteria provided, multiple submitters, no conflicts (2 of 4 stars). 3 submissions from 3 submitters: Uncertain significance (3). Last evaluated 2024-07-20.

Conditions:
Hereditary cancer-predisposing syndrome. Also called: Neoplastic Syndromes, Hereditary; Tumor predisposition; Hereditary neoplastic syndrome; Hereditary Cancer Syndrome. Identifiers: Orphanet 140162, MedGen C0027672, MeSH D009386, MONDO:0015356.
Hereditary nonpolyposis colorectal neoplasms. Identifiers: MedGen C0009405, MeSH D003123.
Lynch syndrome. Identifiers: Orphanet 144, MedGen C4552100, MONDO:0005835. Disease mechanism: loss of function.

gnomAD v4.1: 1 of 1,614,046 alleles (0.000062%); highest among the groups gnomAD compares: Non-Finnish European, 0.000085%; no homozygotes.

Submissions (3):

Labcorp Genetics (formerly Invitae), Labcorp
Classification: Uncertain significance for Hereditary nonpolyposis colorectal neoplasms. Last evaluated: 2024-07-20. Review status: criteria provided, single submitter. Criteria: Invitae Variant Classification Sherloc (09022015). Collection method: clinical testing. Allele origin: germline.
Comment: This sequence change replaces arginine, which is basic and polar, with glycine, which is neutral and non-polar, at codon 211 of the PMS2 protein (p.Arg211Gly). This variant is not present in population databases (gnomAD no frequency). This variant has not been reported in the literature in individuals affected with PMS2-related conditions. ClinVar contains an entry for this variant (Variation ID: 628937). Advanced modeling of protein sequence and biophysical properties (such as structural, functional, and spatial information, amino acid conservation, physicochemical variation, residue mobility, and thermodynamic stability) performed at Invitae indicates that this missense variant is expected to disrupt PMS2 protein function with a positive predictive value of 80%. In summary, the available evidence is currently insufficient to determine the role of this variant in disease. Therefore, it has been classified as a Variant of Uncertain Significance.

All of Us Research Program, National Institutes of Health
Classification: Uncertain significance for Lynch syndrome. Last evaluated: 2024-02-22. Review status: criteria provided, single submitter. Criteria: ACMG Guidelines, 2015. Collection method: clinical testing. Allele origin: germline. Inheritance: Autosomal dominant inheritance. Observed: 1 variant allele, 1 heterozygote.
Comment: This missense variant replaces arginine with glycine at codon 211 of the PMS2 protein. Computational prediction is inconclusive regarding the impact of this variant on protein structure and function (internally defined REVEL score threshold 0.5 < inconclusive < 0.7, PMID: 27666373). To our knowledge, functional studies have not been reported for this variant. This variant has not been reported in individuals affected with PMS2-related disorders in the literature. This variant has not been identified in the general population by the Genome Aggregation Database (gnomAD). The available evidence is insufficient to determine the role of this variant in disease conclusively. Therefore, this variant is classified as a Variant of Uncertain Significance.

This study involves interpretation of variants in research participants for the purpose of population health screening. Participant phenotype was not available at the time of variant classification. Additional details can be found in publication PMID: 35346344, PMCID: PMC8962531

Color Diagnostics, LLC DBA Color Health
Classification: Uncertain significance for Hereditary cancer-predisposing syndrome. Last evaluated: 2024-02-01. Review status: criteria provided, single submitter. Criteria: ACMG Guidelines, 2015. Collection method: clinical testing. Allele origin: germline.
Comment: This missense variant replaces arginine with glycine at codon 211 of the PMS2 protein. Computational prediction is inconclusive regarding the impact of this variant on protein structure and function (internally defined REVEL score threshold 0.5 < inconclusive < 0.7, PMID: 27666373). To our knowledge, functional studies have not been reported for this variant. This variant has not been reported in individuals affected with PMS2-related disorders in the literature. This variant has not been identified in the general population by the Genome Aggregation Database (gnomAD). The available evidence is insufficient to determine the role of this variant in disease conclusively. Therefore, this variant is classified as a Variant of Uncertain Significance.

NM_000535.7(PMS2):c.631C>G (p.Arg211Gly)

Gene: PMS2 (PMS1 homolog 2, mismatch repair system component; minus strand). Cytogenetic location: 7p22.1.
Variant type: single nucleotide variant.
Coding change: c.631C>G on transcript NM_000535.7 (MANE Select); coding-DNA position 631, C replaced by G.
Protein change: p.Arg211Gly; replaces arginine 211 with glycine.
Molecular consequence: missense variant. On other transcripts: 5 prime UTR variant (2), non-coding transcript variant (1), intron variant (1).
Genome position (GRCh38, 1-based): chr7:5,999,182, G>C on the plus strand (C>G on the coding strand, the complement: PMS2 is on the minus strand). VCF-style: chr7-5999182-G-C. GRCh37 (hg19) VCF-style: chr7-6038813-G-C.
Other names: c.226C>G, p.Arg76Gly (NM_001322003.2, NM_001322004.2, NM_001322005.2 and 2 more transcripts); c.631C>G, p.Arg211Gly (NM_001322006.2, NM_001322014.2); c.313C>G, p.Arg105Gly (NM_001322007.2, NM_001322008.2); c.-303C>G (NM_001322011.2, NM_001322012.2); c.322C>G, p.Arg108Gly (NM_001322015.2); c.133-1759C>G (NM_001322013.2); short protein forms R211G, R105G, R108G, R76G.
Identifiers: ClinVar variation 628937 (VCV000628937.10), dbSNP rs760228510, ClinGen allele CA366743949.
Genomic context (GRCh38, chr7:5,999,182, plus strand): 5'-ACACAGAGCCGATATTTTCCTTTATGCTGGGGCTTCCACCTGTGCATACCACAGGCTGTC[G>C]TTTTCCTTGTCCAAGCTGATTGGTGCAACTTACACGGATGCCTGCTGAAATGATACAGTA-3'
Protein context (NP_000526.2, residues 201-221): SCTNQLGQGK[Arg211Gly]QPVVCTGGSP